The following is an entry in ClinVar:

NM_001486.4(GCKR):c.17_22dup (p.Arg6_Phe7dup)

Gene: GCKR (glucokinase regulator; plus strand). Cytogenetic location: 2p23.3.
Variant type: Duplication.
Coding change: c.17_22dup on transcript NM_001486.4 (MANE Select); coding-DNA positions 17 to 22, 6 bases duplicated (GGTTTC; older notation c.17_22dupGGTTTC).
Protein change: p.Arg6_Phe7dup.
Molecular consequence: inframe insertion.
Genome position (GRCh38, 1-based): chr2:27,496,921-27,496,926, GGTTTC duplicated; duplicating any 6 consecutive bases within chr2:27,496,920-27,496,926 gives the same sequence; the c. name uses the placement nearest the transcript's 3' end. VCF-style (leftmost placement, unchanged base first): chr2-27496919-A-ACGGTTT. GRCh37 (hg19) VCF-style: chr2-27719786-A-ACGGTTT.
Identifiers: ClinVar variation 1303199 (VCV001303199.9), dbSNP rs748731892, ClinGen allele CA1581389.

ClinVar aggregate classification (germline): Uncertain significance. Review status: criteria provided, multiple submitters, no conflicts (2 of 4 stars). 4 submissions from 4 submitters: Uncertain significance (4). Last evaluated 2026-01-26.

Conditions:
FASTING PLASMA GLUCOSE LEVEL QUANTITATIVE TRAIT LOCUS 5 (FGQTL5). Identifiers: MedGen C3150714, OMIM 613463.

Submissions (4):

Labcorp Genetics (formerly Invitae), Labcorp
Classification: Uncertain significance. Last evaluated: 2026-01-26. Review status: criteria provided, single submitter. Criteria: Invitae Variant Classification Sherloc (09022015). Collection method: clinical testing. Allele origin: germline.
Comment: This variant, c.17_22dup, results in the insertion of 2 amino acid(s) of the GCKR protein (p.Arg6_Phe7dup), but otherwise preserves the integrity of the reading frame. This variant is present in population databases (rs748731892, gnomAD 0.02%). This variant has been observed in individual(s) with hypertriglyceridemia and/or suspected genetic dyslipidemia (PMID: 20657596, 36325899). This variant is also known as c.22_23insGGTTTC. ClinVar contains an entry for this variant (Variation ID: 1303199). Algorithms developed to predict the effect of variants on gene product structure and function are not available or were not evaluated for this variant. Experimental studies have shown that this variant does not substantially affect GCKR function (PMID: 24879641). In summary, the available evidence is currently insufficient to determine the role of this variant in disease. Therefore, it has been classified as a Variant of Uncertain Significance.

GeneDx
Classification: Uncertain significance. Last evaluated: 2024-08-12. Review status: criteria provided, single submitter. Criteria: GeneDx Variant Classification Process June 2021. Collection method: clinical testing. Allele origin: germline. Affected: yes.
Comment: Identified in a patient with hypertriglyceridemia, reported as p.Q8_H9insRF due to the use of alternate nomenclature; however, specific clinical information was not provided (PMID: 20657596); In-frame insertion of 2 amino acids in a non-repeat region; One in vitro functional study suggests that this variant has a mild impact on protein function and does not affect protein expression (PMID: 24879641); This variant is associated with the following publications: (PMID: 20657596, 34426522, 24879641, 36325899)

Fulgent Genetics
Classification: Uncertain significance for FASTING PLASMA GLUCOSE LEVEL QUANTITATIVE TRAIT LOCUS 5. Last evaluated: 2021-10-02. Review status: criteria provided, single submitter. Criteria: ACMG Guidelines, 2015. Collection method: clinical testing. Allele origin: unknown.

Breakthrough Genomics
Classification: Uncertain significance. Review status: criteria provided, single submitter. Criteria: ACMG Guidelines, 2015. Collection method: not provided. Allele origin: germline. Inheritance: Unknown mechanism. Affected: yes.

Literature cited by the submitters: PubMed 20657596 (cited by Labcorp Genetics (formerly Invitae), Labcorp); PubMed 36325899 (cited by Labcorp Genetics (formerly Invitae), Labcorp); PubMed 24879641 (cited by Labcorp Genetics (formerly Invitae), Labcorp).